The following is an entry in ClinVar:

ClinVar aggregate classification (germline): Pathogenic (1 of 4 stars; one submission).

Submission:

GeneDx
Classification: Pathogenic. Last evaluated: 2018-02-13. Review status: criteria provided, single submitter. Criteria: GeneDx Variant Classification (06012015). Collection method: clinical testing. Allele origin: germline. Affected: yes.
Comment: The Q1951X variant in the NSD1 gene has not been reported previously as a pathogenic variant nor as a benign variant, to our knowledge. The Q1951X variant is not observed in large population cohorts (Lek et al., 2016). This variant is predicted to cause loss of normal protein function either through protein truncation or nonsense-mediated mRNA decay.

NM_022455.5(NSD1):c.5851C>T (p.Gln1951Ter)

Gene: NSD1 (nuclear receptor binding SET domain protein 1; plus strand). Cytogenetic location: 5q35.3.
Variant type: single nucleotide variant.
Coding change: c.5851C>T on transcript NM_022455.5 (MANE Select); coding-DNA position 5851, C replaced by T.
Protein change: p.Gln1951Ter; replaces glutamine 1951 with a stop codon.
Molecular consequence: nonsense.
Genome position (GRCh38, 1-based): chr5:177,280,793, C>T. VCF-style: chr5-177280793-C-T. GRCh37 (hg19) VCF-style: chr5-176707794-C-T.
Other names: c.4978C>T, p.Gln1660Ter (NM_001365684.2, NM_001409308.1, NM_001409309.1 and 1 more transcripts); c.5851C>T, p.Gln1951Ter (NM_001409301.1, NM_001409302.1, NM_001409303.1); c.5431C>T, p.Gln1811Ter (NM_001409304.1); c.5098C>T, p.Gln1700Ter (NM_001409305.1); c.5089C>T, p.Gln1697Ter (NM_001409306.1, NM_001409307.1); short protein forms Q1951*, Q1682*, Q1660*, Q1811*, Q1697*, Q1700*.
Identifiers: ClinVar variation 504283 (VCV000504283.2), dbSNP rs1554204165, ClinGen allele CA362313720.
Genomic context (GRCh38, chr5:177,280,793, plus strand): 5'-TGTCAAAACCAGTGCTTTTCCAAGCGCCAATATCCAGAGGTTGAAATTTTCCGCACATTA[C>T]AGCGGGGTTGGGGTCTACGGACAAAAACAGATATTAAAAAGGTTAGAAAAAGCTAAATTA-3'